The following is an entry in ClinVar:

ClinVar aggregate classification (germline): Uncertain significance (1 of 4 stars; one submission).

Conditions:
VPS13B-related disorder. Also called: VPS13B-related condition.

gnomAD v4.1: 1 of 1,614,120 alleles (0.000062%); highest among the groups gnomAD compares: Non-Finnish European, 0.000085%; no homozygotes.

Submission:

PreventionGenetics, part of Exact Sciences
Classification: Uncertain significance for VPS13B-related condition. Last evaluated: 2026-06-02. Review status: criteria provided, single submitter. Criteria: ACMG Guidelines, 2015. Collection method: clinical testing. Allele origin: germline.
Comment: The VPS13B c.5300A>G variant is predicted to result in the amino acid substitution p.Gln1767Arg. To our knowledge, this variant has not been reported in the literature or in a large population database (gnomAD), indicating this variant is rare. At this time, the clinical significance of this variant is uncertain due to the absence of conclusive functional and genetic evidence.

NM_152564.5(VPS13B):c.5300A>G (p.Gln1767Arg)

Gene: VPS13B (vacuolar protein sorting 13 homolog B; plus strand). Cytogenetic location: 8q22.2.
Variant type: single nucleotide variant.
Coding change: c.5300A>G on transcript NM_152564.5 (MANE Select); coding-DNA position 5300, A replaced by G.
Protein change: p.Gln1767Arg; replaces glutamine 1767 with arginine.
Molecular consequence: missense variant.
Genome position (GRCh38, 1-based): chr8:99,641,890, A>G. VCF-style: chr8-99641890-A-G. GRCh37 (hg19) VCF-style: chr8-100654118-A-G.
Other names: c.5375A>G, p.Gln1792Arg (NM_017890.5); short protein forms Q1792R, Q1767R.
Identifiers: ClinVar variation 4985815 (VCV004985815.1).
Genomic context (GRCh38, chr8:99,641,890, plus strand): 5'-AAAAAGTGGATATATTTGATGGAGGCATGGCTGAAACCTCATCTCGCTACAGTGGTGCTC[A>G]GGATAGTGGAATTGGCAGTGACAGTGTTAAAATCAGAATAGTGCAAATAGAGCAGCACAG-3'
Protein context (NP_689777.3, residues 1757-1777): AETSSRYSGA[Gln1767Arg]DSGIGSDSVK